The following is an entry in ClinVar:

NM_000238.4(KCNH2):c.557dup (p.Gly187fs)

Gene: KCNH2 (potassium voltage-gated channel subfamily H member 2; minus strand). Cytogenetic location: 7q36.1.
Variant type: Duplication.
Coding change: c.557dup on transcript NM_000238.4 (MANE Select); coding-DNA position 557, one base duplicated (G; older notation c.557dupG).
Protein change: p.Gly187fs; shifts the reading frame from glycine 187.
Molecular consequence: frameshift variant.
Genome position (GRCh38, 1-based): chr7:150,958,418, C duplicated on the plus strand (G on the coding strand, the reverse complement: KCNH2 is on the minus strand); the first of 3 consecutive C bases (chr7:150,958,418-150,958,420); duplicating any one gives the same sequence. VCF-style (leftmost placement, unchanged base first): chr7-150958417-G-GC. GRCh37 (hg19) VCF-style: chr7-150655505-G-GC.
Other names: c.267dup, p.Gly91Argfs (NM_001406753.1, NM_001406756.1); c.378dup, p.Gly128Argfs (NM_001406755.1); c.255dup, p.Gly87Argfs (NM_001406757.1); c.555dup, p.Gly187Argfs (NM_172056.3); c.557dupG (NM_000238.3); short protein forms G187fs.
Identifiers: ClinVar variation 1748411 (VCV001748411.3), dbSNP rs2486094162, ClinGen allele CA2580077704.

ClinVar aggregate classification (germline): Pathogenic (1 of 4 stars; one submission).

Conditions:
Cardiovascular phenotype. Identifiers: MedGen CN230736.

Submission:

Ambry Genetics
Classification: Pathogenic for Cardiovascular phenotype. Last evaluated: 2024-08-21. Review status: criteria provided, single submitter. Criteria: Ambry Variant Classification Scheme 2023. Collection method: clinical testing. Allele origin: germline.
Comment: The c.557dupG pathogenic mutation, located in coding exon 4 of the KCNH2 gene, results from a duplication of G at nucleotide position 557, causing a translational frameshift with a predicted alternate stop codon (p.G187Rfs*145). This variant is considered to be rare based on population cohorts in the Genome Aggregation Database (gnomAD). This alteration is expected to result in loss of function by premature protein truncation or nonsense-mediated mRNA decay. As such, this alteration is interpreted as a disease-causing mutation.